The following is an entry in ClinVar:

ClinVar aggregate classification (germline): Benign/Likely benign. Review status: criteria provided, multiple submitters, no conflicts (2 of 4 stars). 3 submissions from 3 submitters: Benign (2); Likely benign (1). Last evaluated 2026-01-26.

Conditions:
Congenital stationary night blindness 1A (CSNB1A). Also called: NYX-Related X-Linked Congenital Stationary Night Blindness; CSNB, COMPLETE, X-LINKED; HEMERALOPIA-MYOPIA; Night blindness, congenital stationary (complete), 1A, X-linked; MYOPIA-NIGHT BLINDNESS; NIGHT BLINDNESS, CONGENITAL STATIONARY, WITH MYOPIA. Identifiers: Orphanet 215, MedGen C3495587, MONDO:0010690, OMIM 310500.

Allele frequency attached by ClinVar (database versions not stated): ExAC 0.00284; gnomAD 0.00079; TOPMed 0.00139; gnomAD exomes 0.00168; 1000 Genomes Project 30x 0.00250; 1000 Genomes Project 0.00265.
gnomAD v4.1: 570 of 1,197,375 alleles (0.048%); highest among the groups gnomAD compares: East Asian, 1.6%; no homozygotes.

Submissions (3):

Labcorp Genetics (formerly Invitae), Labcorp
Classification: Benign. Last evaluated: 2026-01-26. Review status: criteria provided, single submitter. Criteria: Invitae Variant Classification Sherloc (09022015). Collection method: clinical testing. Allele origin: germline.

Blueprint Genetics
Classification: Benign. Last evaluated: 2024-11-11. Review status: criteria provided, single submitter. Criteria: ACMG Guidelines, 2015. Collection method: clinical testing. Allele origin: germline.

Illumina Laboratory Services, Illumina
Classification: Likely benign for Congenital stationary night blindness 1A. Last evaluated: 2017-04-27. Review status: criteria provided, single submitter. Criteria: ICSL Variant Classification Criteria 13 December 2019. Collection method: clinical testing. Allele origin: germline.
Comment: This variant was observed as part of a predisposition screen in an ostensibly healthy population. A literature search was performed for the gene, cDNA change, and amino acid change (where applicable). Publications were found based on this search. The evidence from the literature, in combination with allele frequency data from public databases where available, was sufficient to determine this variant is unlikely to cause disease. Therefore, this variant is classified as likely benign.

Literature cited by the submitters: PubMed 23406521 (cited by Illumina Laboratory Services, Illumina).

NM_001378477.3(NYX):c.1212C>T (p.Thr404=)

Gene: NYX (nyctalopin; plus strand). Cytogenetic location: Xp11.4.
Variant type: single nucleotide variant.
Coding change: c.1212C>T on transcript NM_001378477.3 (MANE Select); coding-DNA position 1212, C replaced by T.
Protein change: p.Thr404=; no amino-acid change (threonine 404 retained).
Molecular consequence: synonymous variant.
Genome position (GRCh38, 1-based): chrX:41,474,680, C>T. VCF-style: chrX-41474680-C-T. GRCh37 (hg19) VCF-style: chrX-41333933-C-T.
Other names: c.1212C>T, p.Thr404= (NM_022567.3).
Identifiers: ClinVar variation 368271 (VCV000368271.14), dbSNP rs187149252, ClinGen allele CA10389924.